The following is an entry in ClinVar:

ClinVar aggregate classification (germline): Uncertain significance (1 of 4 stars; one submission).

Conditions:
X-linked Emery-Dreifuss muscular dystrophy. Also called: Muscular dystrophy, tardive Emery-Dreifuss type, with contractures. Identifiers: Orphanet 261, Orphanet 98863, MedGen C0751337, MONDO:0010680.

Submission:

Labcorp Genetics (formerly Invitae), Labcorp
Classification: Uncertain significance for X-linked Emery-Dreifuss muscular dystrophy. Last evaluated: 2017-06-12. Review status: criteria provided, single submitter. Criteria: Invitae Variant Classification Sherloc (09022015). Collection method: clinical testing. Allele origin: germline.
Comment: In summary, this variant has uncertain impact on EMD function. The available evidence is currently insufficient to determine its role in disease. Therefore, it has been classified as a Variant of Uncertain Significance. Algorithms developed to predict the effect of sequence changes on RNA splicing suggest that this variant may disrupt the consensus splice site, but this prediction has not been confirmed by published transcriptional studies. Algorithms developed to predict the effect of missense changes on protein structure and function do not agree on the potential impact of this missense change (SIFT: "Deleterious"; PolyPhen-2: "Possibly Damaging"; Align-GVGD: "Class C0"). This variant has not been reported in the literature in individuals with an EMD-related disease. This variant is not present in population databases (ExAC no frequency). This sequence change replaces arginine with threonine at codon 150 of the EMD protein (p.Arg150Thr). The arginine residue is highly conserved and there is a moderate physicochemical difference between arginine and threonine. This variant also falls at the last nucleotide of exon 5 of the EMD coding sequence, which is part of the consensus splice site for this exon. Nucleotide substitutions within the consensus splice site are relatively common causes of aberrant splicing (PMID: 17576681, 9536098).

Literature cited by the submitters: PubMed 17576681; PubMed 9536098.

NM_000117.3(EMD):c.449G>C (p.Arg150Thr)

Gene: EMD (emerin; plus strand). Cytogenetic location: Xq28.
Variant type: single nucleotide variant.
Coding change: c.449G>C on transcript NM_000117.3 (MANE Select); coding-DNA position 449, G replaced by C.
Protein change: p.Arg150Thr; replaces arginine 150 with threonine.
Molecular consequence: missense variant.
Genome position (GRCh38, 1-based): chrX:154,380,802, G>C. VCF-style: chrX-154380802-G-C. GRCh37 (hg19) VCF-style: chrX-153609162-G-C.
Other names: short protein forms R150T.
Identifiers: ClinVar variation 462825 (VCV000462825.9), dbSNP rs1557182571, ClinGen allele CA415258357.